The following is an entry in ClinVar:

ClinVar aggregate classification (germline): Uncertain significance. Review status: criteria provided, multiple submitters, no conflicts (2 of 4 stars). 3 submissions from 3 submitters: Uncertain significance (3). Last evaluated 2025-03-21.

Allele frequency attached by ClinVar (database versions not stated): TOPMed below 0.00001.
gnomAD v4.1: 16 of 1,614,156 alleles (0.00099%); highest among the groups gnomAD compares: Admixed American, 0.005%; no homozygotes.

Submissions (3):

Women's Health and Genetics/Laboratory Corporation of America, LabCorp
Classification: Uncertain significance. Last evaluated: 2025-03-21. Review status: criteria provided, single submitter. Criteria: LabCorp Variant Classification Summary - May 2015. Collection method: clinical testing. Allele origin: germline.
Comment: Variant summary: DMXL2 c.3706A>G (p.Ile1236Val) results in a conservative amino acid change in the encoded protein sequence. Three of four in-silico tools predict a benign effect of the variant on protein function. The variant allele was found at a frequency of 8e-06 in 251176 control chromosomes. The available data on variant occurrences in the general population are insufficient to allow any conclusion about variant significance. To our knowledge, no occurrence of c.3706A>G in individuals affected with DMXL2-Related Disorders and no experimental evidence demonstrating its impact on protein function have been reported. ClinVar contains an entry for this variant (Variation ID: 1356531). Based on the evidence outlined above, the variant was classified as uncertain significance.

GeneDx
Classification: Uncertain significance. Last evaluated: 2024-12-31. Review status: criteria provided, single submitter. Criteria: GeneDx Variant Classification Process June 2021. Collection method: clinical testing. Allele origin: germline. Affected: yes.
Comment: In silico analysis indicates that this missense variant does not alter protein structure/function; Has not been previously published as pathogenic or benign to our knowledge

Labcorp Genetics (formerly Invitae), Labcorp
Classification: Uncertain significance. Last evaluated: 2024-06-04. Review status: criteria provided, single submitter. Criteria: Invitae Variant Classification Sherloc (09022015). Collection method: clinical testing. Allele origin: germline.
Comment: This sequence change replaces isoleucine, which is neutral and non-polar, with valine, which is neutral and non-polar, at codon 1236 of the DMXL2 protein (p.Ile1236Val). This variant is present in population databases (no rsID available, gnomAD 0.006%). This variant has not been reported in the literature in individuals affected with DMXL2-related conditions. ClinVar contains an entry for this variant (Variation ID: 1356531). Algorithms developed to predict the effect of missense changes on protein structure and function output the following: SIFT: "Not Available"; PolyPhen-2: "Benign"; Align-GVGD: "Not Available". The valine amino acid residue is found in multiple mammalian species, which suggests that this missense change does not adversely affect protein function. In summary, the available evidence is currently insufficient to determine the role of this variant in disease. Therefore, it has been classified as a Variant of Uncertain Significance.

NM_001378457.1(DMXL2):c.3706A>G (p.Ile1236Val)

Gene: DMXL2 (Dmx like 2; minus strand). Cytogenetic location: 15q21.2.
Variant type: single nucleotide variant.
Coding change: c.3706A>G on transcript NM_001378457.1 (MANE Select); coding-DNA position 3706, A replaced by G.
Protein change: p.Ile1236Val; replaces isoleucine 1236 with valine.
Molecular consequence: missense variant. On other transcripts: non-coding transcript variant (2), intron variant (2).
Genome position (GRCh38, 1-based): chr15:51,499,518, T>C on the plus strand (A>G on the coding strand, the complement: DMXL2 is on the minus strand). VCF-style: chr15-51499518-T-C. GRCh37 (hg19) VCF-style: chr15-51791715-T-C.
Other names: c.3706A>G, p.Ile1236Val (NM_001174116.3, NM_001378458.1, NM_001378459.1 and 4 more transcripts); c.3466A>G, p.Ile1156Val (NM_001378464.1); c.2764+7616A>G (NM_001378460.1); c.2765-4384A>G (NM_001174117.3); c.3706A>G (NM_001174116.1); short protein forms I1236V, I1156V.
Identifiers: ClinVar variation 1356531 (VCV001356531.8), dbSNP rs1193446493, ClinGen allele CA392434639.